The following is an entry in ClinVar:

NM_001142800.2(EYS):c.-299T>C

Gene: EYS (eyes shut homolog; minus strand). Cytogenetic location: 6q12.
Variant type: single nucleotide variant.
Coding change: c.-299T>C on transcript NM_001142800.2 (MANE Select); 299 bases upstream of the start codon, T replaced by C.
Molecular consequence: 5 prime UTR variant.
Genome position (GRCh38, 1-based): chr6:65,495,960, A>G on the plus strand (T>C on the coding strand, the complement: EYS is on the minus strand). VCF-style: chr6-65495960-A-G. GRCh37 (hg19) VCF-style: chr6-66205853-A-G.
Other names: c.-299T>C (NM_001142801.2, NM_001292009.2, NM_198283.2).
Identifiers: ClinVar variation 1492297 (VCV001492297.3), dbSNP rs541087846, ClinGen allele CA140435044.

ClinVar aggregate classification (germline): Uncertain significance (1 of 4 stars; one submission).

Allele frequency attached by ClinVar (database versions not stated): gnomAD 0.00001; 1000 Genomes Project 30x 0.00016; 1000 Genomes Project 0.00020.

Submission:

Labcorp Genetics (formerly Invitae), Labcorp
Classification: Uncertain significance. Last evaluated: 2022-08-03. Review status: criteria provided, single submitter. Criteria: Invitae Variant Classification Sherloc (09022015). Collection method: clinical testing. Allele origin: germline.
Comment: This variant occurs in a non-coding region of the EYS gene. It does not change the encoded amino acid sequence of the EYS protein. This variant is not present in population databases (gnomAD no frequency). This variant has not been reported in the literature in individuals affected with EYS-related conditions. ClinVar contains an entry for this variant (Variation ID: 1492297). Experimental studies and prediction algorithms are not available or were not evaluated, and the functional significance of this variant is currently unknown. In summary, the available evidence is currently insufficient to determine the role of this variant in disease. Therefore, it has been classified as a Variant of Uncertain Significance.